The following is an entry in ClinVar:

NM_000397.4(CYBB):c.1346A>G (p.His449Arg)

Gene: CYBB (cytochrome b-245 beta chain; plus strand). Cytogenetic location: Xp11.4.
Variant type: single nucleotide variant.
Coding change: c.1346A>G on transcript NM_000397.4 (MANE Select); coding-DNA position 1346, A replaced by G.
Protein change: p.His449Arg; replaces histidine 449 with arginine.
Molecular consequence: missense variant.
Genome position (GRCh38, 1-based): chrX:37,806,418, A>G. VCF-style: chrX-37806418-A-G. GRCh37 (hg19) VCF-style: chrX-37665671-A-G.
Other names: short protein forms H449R.
Identifiers: ClinVar variation 3676017 (VCV003676017.3).

ClinVar aggregate classification (germline): Uncertain significance. Review status: criteria provided, multiple submitters, no conflicts (2 of 4 stars). 2 submissions from 2 submitters: Uncertain significance (2). Last evaluated 2026-03-10.

Conditions:
Inborn genetic diseases. Identifiers: MedGen C0950123, MeSH D030342.
Granulomatous disease, chronic, X-linked. Also called: CYTOCHROME b-NEGATIVE GRANULOMATOUS DISEASE, CHRONIC, X-LINKED; GRANULOMATOUS DISEASE, CHRONIC, X-LINKED, SOMATIC MOSAIC. Identifiers: Orphanet 379, MedGen C1844376, MONDO:0010600, OMIM 306400.

Submissions (2):

Ambry Genetics
Classification: Uncertain significance for Inborn genetic diseases. Last evaluated: 2026-03-10. Review status: criteria provided, single submitter. Criteria: Ambry Variant Classification Scheme 2023. Collection method: clinical testing. Allele origin: germline.

Labcorp Genetics (formerly Invitae), Labcorp
Classification: Uncertain significance for Granulomatous disease, chronic, X-linked. Last evaluated: 2024-08-05. Review status: criteria provided, single submitter. Criteria: Invitae Variant Classification Sherloc (09022015). Collection method: clinical testing. Allele origin: germline.
Comment: This sequence change replaces histidine, which is basic and polar, with arginine, which is basic and polar, at codon 449 of the CYBB protein (p.His449Arg). This variant is not present in population databases (gnomAD no frequency). This variant has not been reported in the literature in individuals affected with CYBB-related conditions. Advanced modeling of protein sequence and biophysical properties (such as structural, functional, and spatial information, amino acid conservation, physicochemical variation, residue mobility, and thermodynamic stability) performed at Invitae indicates that this missense variant is not expected to disrupt CYBB protein function with a negative predictive value of 80%. In summary, the available evidence is currently insufficient to determine the role of this variant in disease. Therefore, it has been classified as a Variant of Uncertain Significance.